The following is an entry in ClinVar:

ClinVar aggregate classification (germline): Uncertain significance. Review status: criteria provided, multiple submitters, no conflicts (2 of 4 stars). 2 submissions from 2 submitters: Uncertain significance (2). Last evaluated 2021-11-05.

Conditions:
MEGF10-related myopathy (CMYO10A). Also called: Congenital myopathy 10A, severe variant. Identifiers: Orphanet 439212, MedGen C3280679, MONDO:0013731, OMIM 614399.

Allele frequency attached by ClinVar (database versions not stated): gnomAD exomes below 0.00001.
gnomAD v4.1: 1 of 1,614,132 alleles (0.000062%); highest among the groups gnomAD compares: Non-Finnish European, 0.000085%; no homozygotes.

Submissions (2):

Revvity Omics, Revvity
Classification: Uncertain significance. Last evaluated: 2021-11-05. Review status: criteria provided, single submitter. Criteria: ACMG Guidelines, 2015. Collection method: clinical testing. Allele origin: germline.

Labcorp Genetics (formerly Invitae), Labcorp
Classification: Uncertain significance for MEGF10-related myopathy. Last evaluated: 2021-08-27. Review status: criteria provided, single submitter. Criteria: Invitae Variant Classification Sherloc (09022015). Collection method: clinical testing. Allele origin: germline.
Comment: This sequence change replaces arginine with lysine at codon 194 of the MEGF10 protein (p.Arg194Lys). The arginine residue is moderately conserved and there is a small physicochemical difference between arginine and lysine. This variant is not present in population databases (ExAC no frequency). This variant has not been reported in the literature in individuals affected with MEGF10-related conditions. Algorithms developed to predict the effect of missense changes on protein structure and function output the following: SIFT: "Tolerated"; PolyPhen-2: "Benign"; Align-GVGD: "Class C0". The lysine amino acid residue is found in multiple mammalian species, which suggests that this missense change does not adversely affect protein function. In summary, the available evidence is currently insufficient to determine the role of this variant in disease. Therefore, it has been classified as a Variant of Uncertain Significance.

NM_001256545.2(MEGF10):c.581G>A (p.Arg194Lys)

Gene: MEGF10 (multiple EGF like domains 10; plus strand). Cytogenetic location: 5q23.2.
Variant type: single nucleotide variant.
Coding change: c.581G>A on transcript NM_001256545.2 (MANE Select); coding-DNA position 581, G replaced by A.
Protein change: p.Arg194Lys; replaces arginine 194 with lysine.
Molecular consequence: missense variant.
Genome position (GRCh38, 1-based): chr5:127,396,700, G>A. VCF-style: chr5-127396700-G-A. GRCh37 (hg19) VCF-style: chr5-126732392-G-A.
Other names: c.581G>A, p.Arg194Lys (NM_001308119.2, NM_001308121.2, NM_032446.3); short protein forms R194K.
Identifiers: ClinVar variation 539958 (VCV000539958.8), dbSNP rs1023202749, ClinGen allele CA126930198.
Genomic context (GRCh38, chr5:127,396,700, plus strand): 5'-GGGGCTGGCGCTGCGAGGACCGCTGTGAGCAGGGCACCTATGGTAACGACTGTCATCAGA[G>A]ATGCCAGTGCCAGAATGGAGCCACCTGCGACCACGTCACGGGGGAATGCCGCTGCCCACC-3'
Protein context (NP_001243474.1, residues 184-204): QGTYGNDCHQ[Arg194Lys]CQCQNGATCD